The following is an entry in ClinVar:

NC_000023.11:g.(?_31348546)_(31507463_?)del

Gene: DMD (dystrophin; minus strand). Cytogenetic location: Xp21.2-21.1.
Variant type: Deletion.
Identifiers: ClinVar variation 832853 (VCV000832853.8).

ClinVar aggregate classification (germline): Pathogenic (1 of 4 stars; one submission).

Conditions:
Duchenne muscular dystrophy (DMD). Also called: Duchenne Muscular Dystrophy (DMD); MUSCULAR DYSTROPHY, PSEUDOHYPERTROPHIC PROGRESSIVE, DUCHENNE TYPE. Identifiers: Orphanet 98896, MedGen C0013264, MONDO:0010679, OMIM 310200.

Submission:

Labcorp Genetics (formerly Invitae), Labcorp
Classification: Pathogenic for Duchenne muscular dystrophy. Last evaluated: 2019-08-12. Review status: criteria provided, single submitter. Criteria: Invitae Variant Classification Sherloc (09022015). Collection method: clinical testing. Allele origin: germline.
Comment: For these reasons, this variant has been classified as Pathogenic. Loss-of-function variants in DMD are known to be pathogenic (PMID: 16770791, 25007885). This variant has been observed in individuals affected with Duchenne or Becker muscular dystrophy (PMID: 20847377, Invitae). This variant is an out-of-frame deletion of the genomic region encompassing exons 56-61 of the DMD gene. This is expected to create a premature translational stop signal and result in an absent or disrupted protein product.

Literature cited by the submitters: PubMed 16770791; PubMed 25007885; PubMed 20847377.